The following is an entry in ClinVar:

ClinVar aggregate classification (germline): Uncertain significance. Review status: criteria provided, multiple submitters, no conflicts (2 of 4 stars). 2 submissions from 2 submitters: Uncertain significance (2). Last evaluated 2024-05-08.

Conditions:
Hypertrophic cardiomyopathy 1 (CMH1). Also called: Familial hypertrophic cardiomyopathy 1; MYH7-Related Familial Hypertrophic Cardiomyopathy. Identifiers: MedGen C3495498, MONDO:0008647, OMIM 192600.

Allele frequency attached by ClinVar (database versions not stated): TOPMed below 0.00001; gnomAD 0.00001; ExAC 0.00002; gnomAD exomes 0.00002.
gnomAD v4.1: 27 of 1,606,920 alleles (0.0017%); highest among the groups gnomAD compares: South Asian, 0.0022%; no homozygotes.

Submissions (2):

Labcorp Genetics (formerly Invitae), Labcorp
Classification: Uncertain significance for Hypertrophic cardiomyopathy 1. Last evaluated: 2024-05-08. Review status: criteria provided, single submitter. Criteria: Invitae Variant Classification Sherloc (09022015). Collection method: clinical testing. Allele origin: germline.
Comment: This sequence change replaces asparagine, which is neutral and polar, with serine, which is neutral and polar, at codon 541 of the MYLK2 protein (p.Asn541Ser). This variant is present in population databases (rs769061608, gnomAD 0.003%). This variant has not been reported in the literature in individuals affected with MYLK2-related conditions. ClinVar contains an entry for this variant (Variation ID: 1776623). Advanced modeling of protein sequence and biophysical properties (such as structural, functional, and spatial information, amino acid conservation, physicochemical variation, residue mobility, and thermodynamic stability) performed at Invitae indicates that this missense variant is not expected to disrupt MYLK2 protein function with a negative predictive value of 80%. In summary, the available evidence is currently insufficient to determine the role of this variant in disease. Therefore, it has been classified as a Variant of Uncertain Significance.

Ambry Genetics
Classification: Uncertain significance. Last evaluated: 2021-11-24. Review status: criteria provided, single submitter. Criteria: Ambry Variant Classification Scheme 2023. Collection method: clinical testing. Allele origin: germline.
Comment: The p.N541S variant (also known as c.1622A>G), located in coding exon 11 of the MYLK2 gene, results from an A to G substitution at nucleotide position 1622. The asparagine at codon 541 is replaced by serine, an amino acid with highly similar properties. This amino acid position is conserved. In addition, this alteration is predicted to be tolerated by in silico analysis. Since supporting evidence is limited at this time, the clinical significance of this alteration remains unclear.

NM_033118.4(MYLK2):c.1622A>G (p.Asn541Ser)

Gene: MYLK2 (myosin light chain kinase 2; plus strand). Cytogenetic location: 20q11.21.
Variant type: single nucleotide variant.
Coding change: c.1622A>G on transcript NM_033118.4 (MANE Select); coding-DNA position 1622, A replaced by G.
Protein change: p.Asn541Ser; replaces asparagine 541 with serine.
Molecular consequence: missense variant.
Genome position (GRCh38, 1-based): chr20:31,832,048, A>G. VCF-style: chr20-31832048-A-G. GRCh37 (hg19) VCF-style: chr20-30419851-A-G.
Other names: short protein forms N541S.
Identifiers: ClinVar variation 1776623 (VCV001776623.4), dbSNP rs769061608, ClinGen allele CA9803279.